The following is an entry in ClinVar:

ClinVar aggregate classification (germline): Uncertain significance (1 of 4 stars; one submission).

Conditions:
POLD1-related polyposis and colorectal cancer syndrome (CRCS10). Also called: Colorectal cancer 10; COLORECTAL CANCER, SUSCEPTIBILITY TO, ON CHROMOSOME 19q; Colorectal cancer, susceptibility to, 10. Identifiers: Orphanet 220460, MedGen C2675481, MONDO:0012953, OMIM 612591.

gnomAD v4.1: 1 of 1,613,752 alleles (0.000062%); highest among the groups gnomAD compares: Non-Finnish European, 0.000085%; no homozygotes.

Submission:

Labcorp Genetics (formerly Invitae), Labcorp
Classification: Uncertain significance for POLD1-related polyposis and colorectal cancer syndrome. Last evaluated: 2020-08-06. Review status: criteria provided, single submitter. Criteria: Invitae Variant Classification Sherloc (09022015). Collection method: clinical testing. Allele origin: germline.
Comment: This sequence change replaces arginine with glycine at codon 525 of the POLD1 protein (p.Arg525Gly). The arginine residue is weakly conserved and there is a moderate physicochemical difference between arginine and glycine. This variant is present in population databases (rs201804732, ExAC 0.002%). This variant has not been reported in the literature in individuals with POLD1-related conditions. Algorithms developed to predict the effect of missense changes on protein structure and function are either unavailable or do not agree on the potential impact of this missense change (SIFT: "Deleterious"; PolyPhen-2: "Possibly Damaging"; Align-GVGD: "Class C0"). In summary, the available evidence is currently insufficient to determine the role of this variant in disease. Therefore, it has been classified as a Variant of Uncertain Significance.

NM_002691.4(POLD1):c.1573C>G (p.Arg525Gly)

Gene: POLD1 (DNA polymerase delta 1, catalytic subunit; plus strand). Cytogenetic location: 19q13.33.
Variant type: single nucleotide variant.
Coding change: c.1573C>G on transcript NM_002691.4 (MANE Select); coding-DNA position 1573, C replaced by G.
Protein change: p.Arg525Gly; replaces arginine 525 with glycine.
Molecular consequence: missense variant. On other transcripts: non-coding transcript variant (1).
Genome position (GRCh38, 1-based): chr19:50,407,061, C>G. VCF-style: chr19-50407061-C-G. GRCh37 (hg19) VCF-style: chr19-50910318-C-G.
Other names: c.1573C>G, p.Arg525Gly (NM_001256849.1, NM_001308632.1); short protein forms R525G.
Identifiers: ClinVar variation 1018617 (VCV001018617.8), dbSNP rs201804732, ClinGen allele CA9596180.
Genomic context (GRCh38, chr19:50,407,061, plus strand): 5'-CGCCGCCGCCTGGCTGTGTACTGCCTGAAGGATGCCTACCTGCCACTGCGGCTGCTGGAG[C>G]GGCTCATGGTGCTGGTGAACGCCGTGGAGATGGCGAGGGTCACTGGCGTGCCCCTCAGCT-3'
Protein context (NP_002682.2, residues 515-535): DAYLPLRLLE[Arg525Gly]LMVLVNAVEM